The following is an entry in ClinVar:

NM_001029883.3(PCARE):c.2237_2255del (p.Met746fs)

Gene: PCARE (photoreceptor cilium actin regulator; minus strand). Cytogenetic location: 2p23.2.
Variant type: Deletion.
Coding change: c.2237_2255del on transcript NM_001029883.3 (MANE Select); coding-DNA positions 2237 to 2255, 19 bases deleted (TGCTGGGGGACTCTAAGGA).
Protein change: p.Met746fs; shifts the reading frame from methionine 746.
Molecular consequence: frameshift variant.
Genome position (GRCh38, 1-based): chr2:29,072,007-29,072,025, TCCTTAGAGTCCCCCAGCA deleted on the plus strand (TGCTGGGGGACTCTAAGGA on the coding strand, the reverse complement: PCARE is on the minus strand); deleting any 19 consecutive bases within chr2:29,072,007-29,072,029 gives the same sequence; the c. name uses the placement nearest the transcript's 3' end. VCF-style (leftmost placement, unchanged base first): chr2-29072006-GTCCTTAGAGTCCCCCAGCA-G. GRCh37 (hg19) VCF-style: chr2-29294872-GTCCTTAGAGTCCCCCAGCA-G.
Other names: short protein forms M746fs.
Identifiers: ClinVar variation 3682687 (VCV003682687.2).

ClinVar aggregate classification (germline): Pathogenic (1 of 4 stars; one submission).

Submission:

Labcorp Genetics (formerly Invitae), Labcorp
Classification: Pathogenic. Last evaluated: 2024-10-12. Review status: criteria provided, single submitter. Criteria: Invitae Variant Classification Sherloc (09022015). Collection method: clinical testing. Allele origin: germline.
Comment: This sequence change creates a premature translational stop signal (p.Met746Thrfs*45) in the PCARE gene. It is expected to result in an absent or disrupted protein product. Loss-of-function variants in PCARE are known to be pathogenic (PMID: 20398886, 24339724, 26496393). This variant is not present in population databases (gnomAD no frequency). This variant has not been reported in the literature in individuals affected with PCARE-related conditions. For these reasons, this variant has been classified as Pathogenic.

Literature cited by the submitters: PubMed 20398886; PubMed 24339724; PubMed 26496393.